The following is an entry in ClinVar:

ClinVar aggregate classification (germline): Benign (1 of 4 stars; one submission).

Allele frequency attached by ClinVar (database versions not stated): 1000 Genomes Project 0.08986.
gnomAD v4.1: 13,884 of 152,018 alleles (9.1%); highest among the groups gnomAD compares: African/African-American, 25%; 1,430 homozygotes.

Submission:

GeneDx
Classification: Benign. Last evaluated: 2018-06-14. Review status: criteria provided, single submitter. Criteria: GeneDx Variant Classification (06012015). Collection method: clinical testing. Allele origin: germline. Affected: yes.
Comment: This variant is considered likely benign or benign based on one or more of the following criteria: it is a conservative change, it occurs at a poorly conserved position in the protein, it is predicted to be benign by multiple in silico algorithms, and/or has population frequency not consistent with disease.

NM_001390.4(DTNA):c.*31+205G>T

Gene: DTNA (dystrobrevin alpha; plus strand). Cytogenetic location: 18q12.1.
Variant type: single nucleotide variant.
Coding change: c.*31+205G>T on transcript NM_001390.4; 205 bases into the intron after 31 bases downstream of the stop codon, G replaced by T.
Molecular consequence: intron variant (on NM_001386795.1).
Genome position (GRCh38, 1-based): chr18:34,884,981, G>T. VCF-style: chr18-34884981-G-T. GRCh37 (hg19) VCF-style: chr18-32464945-G-T.
Other names: c.2263+205G>T (NM_001390.4); c.*31+205G>T (NM_032975.4, NM_001386761.1, NM_001386762.1 and 23 more transcripts); c.2034+2780G>T (NM_001198938.2, NM_001386753.1).
Identifiers: ClinVar variation 674649 (VCV000674649.1), dbSNP rs565255, ClinGen allele CA15922843.